The following is an entry in ClinVar:

NM_000051.4(ATM):c.2290A>C (p.Lys764Gln)

Gene: ATM (ATM serine/threonine kinase; plus strand). Cytogenetic location: 11q22.3.
Variant type: single nucleotide variant.
Coding change: c.2290A>C on transcript NM_000051.4 (MANE Select); coding-DNA position 2290, A replaced by C.
Protein change: p.Lys764Gln; replaces lysine 764 with glutamine.
Molecular consequence: missense variant.
Genome position (GRCh38, 1-based): chr11:108,257,520, A>C. VCF-style: chr11-108257520-A-C. GRCh37 (hg19) VCF-style: chr11-108128247-A-C.
Other names: c.2290A>C, p.Lys764Gln (NM_001351834.2); short protein forms K764Q.
Identifiers: ClinVar variation 1717073 (VCV001717073.5), dbSNP rs2135406508, ClinGen allele CA382539714.
Genomic context (GRCh38, chr11:108,257,520, plus strand): 5'-TTTTCCTTCTATTCACAATAGTCTCTAATGCAATGTGCAGGAGAAAGTATCACTCTGTTT[A>C]AAAATAAGACAAATGAGGAATTCAGAATTGGTTCCTTGAGAAATATGATGCAGCTATGTA-3'
Protein context (NP_000042.3, residues 754-774): QCAGESITLF[Lys764Gln]NKTNEEFRIG

ClinVar aggregate classification (germline): Uncertain significance (1 of 4 stars; one submission).

Conditions:
Ataxia-telangiectasia syndrome (AT). Also called: Cerebello-oculocutaneous telangiectasia; ATAXIA-TELANGIECTASIA, COMPLEMENTATION GROUP A; ATAXIA-TELANGIECTASIA, FRESNO VARIANT; Ataxia-telangiectasia, complementation group D; AT, COMPLEMENTATION GROUP C; Immunodeficiency with ataxia telangiectasia. Identifiers: Orphanet 100, MedGen C0004135, MONDO:0008840, OMIM 208900.

Allele frequency attached by ClinVar (database versions not stated): gnomAD exomes below 0.00001.
gnomAD v4.1: 1 of 1,613,948 alleles (0.000062%); highest among the groups gnomAD compares: South Asian, 0.0011%; no homozygotes.

Submission:

Labcorp Genetics (formerly Invitae), Labcorp
Classification: Uncertain significance for Ataxia-telangiectasia syndrome. Last evaluated: 2022-08-20. Review status: criteria provided, single submitter. Criteria: Invitae Variant Classification Sherloc (09022015). Collection method: clinical testing. Allele origin: germline.
Comment: In summary, the available evidence is currently insufficient to determine the role of this variant in disease. Therefore, it has been classified as a Variant of Uncertain Significance. Advanced modeling of protein sequence and biophysical properties (such as structural, functional, and spatial information, amino acid conservation, physicochemical variation, residue mobility, and thermodynamic stability) performed at Invitae indicates that this missense variant is not expected to disrupt ATM protein function. This variant has not been reported in the literature in individuals affected with ATM-related conditions. This variant is not present in population databases (gnomAD no frequency). This sequence change replaces lysine, which is basic and polar, with glutamine, which is neutral and polar, at codon 764 of the ATM protein (p.Lys764Gln).